The following is an entry in ClinVar:

NM_016292.3(TRAP1):c.919C>G (p.Arg307Gly)

Gene: TRAP1 (TNF receptor associated protein 1; minus strand). Cytogenetic location: 16p13.3.
Variant type: single nucleotide variant.
Coding change: c.919C>G on transcript NM_016292.3 (MANE Select); coding-DNA position 919, C replaced by G.
Protein change: p.Arg307Gly; replaces arginine 307 with glycine.
Molecular consequence: missense variant.
Genome position (GRCh38, 1-based): chr16:3,674,464, G>C on the plus strand (C>G on the coding strand, the complement: TRAP1 is on the minus strand). VCF-style: chr16-3674464-G-C. GRCh37 (hg19) VCF-style: chr16-3724465-G-C.
Other names: c.760C>G, p.Arg254Gly (NM_001272049.2); short protein forms R307G, R254G.
Identifiers: ClinVar variation 260710 (VCV000260710.17), dbSNP rs13926, ClinGen allele CA7868386.
Genomic context (GRCh38, chr16:3,674,464, plus strand): 5'-AGCGGGGCTTGTCGTGAGCCTGCGCGACGTAGCGGTAGAACTCCTCATGTTGCCACTCAC[G>C]GACATCCTTGGGGTCCATCATCCAGATGGCCTGGAAACGGAGATCGGCGGGGAGGGCGTC-3'
Protein context (NP_057376.2, residues 297-317): AIWMMDPKDV[Arg307Gly]EWQHEEFYRY

ClinVar aggregate classification (germline): Benign/Likely benign. Review status: criteria provided, multiple submitters, no conflicts (2 of 4 stars). 7 submissions from 7 submitters: Benign (5); Likely benign (1). 1 of the submissions does not count toward it. Last evaluated 2026-02-02.

Allele frequency attached by ClinVar (database versions not stated): ESP Exome Variant Server 0.33169; TOPMed 0.34229; gnomAD 0.35183; 1000 Genomes Project 30x 0.38773; 1000 Genomes Project 0.39277; gnomAD exomes 0.44445.
gnomAD v4.1: 681,819 of 1,613,540 alleles (42%); highest among the groups gnomAD compares: South Asian, 52%; 149,092 homozygotes.

Submissions (7):

Labcorp Genetics (formerly Invitae), Labcorp
Classification: Benign. Last evaluated: 2026-02-02. Review status: criteria provided, single submitter. Criteria: Invitae Variant Classification Sherloc (09022015). Collection method: clinical testing. Allele origin: germline.

Blueprint Genetics
Classification: Likely benign. Last evaluated: 2024-11-27. Review status: criteria provided, single submitter. Criteria: ACMG Guidelines, 2015. Collection method: clinical testing. Allele origin: germline.

Unidad de Genómica Garrahan, Hospital de Pediatría Garrahan
Classification: Benign. Last evaluated: 2024-01-24. Review status: criteria provided, single submitter. Criteria: ACMG Guidelines, 2015. Collection method: clinical testing. Allele origin: germline. Affected: no. Observed: 53 variant alleles.
Comment: This variant is classified as Benign based on local population frequency. This variant was detected in 60% of patients studied by a panel of primary immunodeficiencies. Number of patients: 53. Only high quality variants are reported.

GeneDx
Classification: Benign. Last evaluated: 2018-11-12. Review status: criteria provided, single submitter. Criteria: GeneDx Variant Classification Process June 2021. Collection method: clinical testing. Allele origin: germline. Affected: yes.

Breakthrough Genomics
Classification: Benign. Review status: criteria provided, single submitter. Criteria: ACMG Guidelines, 2015. Collection method: not provided. Allele origin: germline. Inheritance: Unknown mechanism. Affected: yes.

PreventionGenetics, part of Exact Sciences
Classification: Benign. Review status: criteria provided, single submitter. Criteria: ACMG Guidelines, 2015. Collection method: clinical testing. Allele origin: germline.

Mayo Clinic Laboratories, Mayo Clinic
Classification: Benign. Last evaluated: 2016-02-22. Review status: no assertion criteria provided. Collection method: clinical testing. Allele origin: unknown. Not counted in ClinVar's aggregate classification.